The following is an entry in ClinVar:

ClinVar aggregate classification (germline): Uncertain significance (1 of 4 stars; one submission).

Conditions:
PLEC-related disorder. Also called: PLEC-related condition; PLEC-related disorders.

gnomAD v4.1: 51 of 1,612,226 alleles (0.0032%); highest among the groups gnomAD compares: East Asian, 0.049%; no homozygotes.

Submission:

PreventionGenetics, part of Exact Sciences
Classification: Uncertain significance for PLEC-related condition. Last evaluated: 2026-07-10. Review status: criteria provided, single submitter. Criteria: ACMG Guidelines, 2015. Collection method: clinical testing. Allele origin: germline.
Comment: The PLEC c.79C>T variant is predicted to result in the amino acid substitution p.Arg27Cys. To our knowledge, this variant has not been reported in the literature. This variant is reported in 0.031% of alleles in individuals of East Asian descent in gnomAD. At this time, the clinical significance of this variant is uncertain due to the absence of conclusive functional and genetic evidence.

NM_201378.4(PLEC):c.71-5120C>T

Gene: PLEC (plectin; minus strand). Cytogenetic location: 8q24.3.
Variant type: single nucleotide variant.
Coding change: c.71-5120C>T on transcript NM_201378.4 (MANE Plus Clinical); 5120 bases into the intron before coding-DNA position 71, C replaced by T.
Molecular consequence: intron variant. On other transcripts: missense variant (1).
Genome position (GRCh38, 1-based): chr8:143,943,812, G>A on the plus strand (C>T on the coding strand, the complement: PLEC is on the minus strand). VCF-style: chr8-143943812-G-A. GRCh37 (hg19) VCF-style: chr8-145017980-G-A.
Other names: c.79C>T, p.Arg27Cys (NM_201382.4); c.194-5120C>T (NM_001410941.1, NM_000445.5); c.47-5120C>T (NM_201379.3); c.524-5120C>T (NM_201380.4); c.16+836C>T (NM_201381.3); short protein forms R27C.
Identifiers: ClinVar variation 4980669 (VCV004980669.1).